The following is an entry in ClinVar:

ClinVar aggregate classification (germline): Uncertain significance (1 of 4 stars; one submission).

Submission:

Labcorp Genetics (formerly Invitae), Labcorp
Classification: Uncertain significance. Last evaluated: 2024-09-17. Review status: criteria provided, single submitter. Criteria: Invitae Variant Classification Sherloc (09022015). Collection method: clinical testing. Allele origin: germline.
Comment: This sequence change replaces alanine, which is neutral and non-polar, with valine, which is neutral and non-polar, at codon 700 of the CTNNA1 protein (p.Ala700Val). This variant is not present in population databases (gnomAD no frequency). This variant has not been reported in the literature in individuals affected with CTNNA1-related conditions. Invitae Evidence Modeling of protein sequence and biophysical properties (such as structural, functional, and spatial information, amino acid conservation, physicochemical variation, residue mobility, and thermodynamic stability) indicates that this missense variant is not expected to disrupt CTNNA1 protein function with a negative predictive value of 80%. In summary, the available evidence is currently insufficient to determine the role of this variant in disease. Therefore, it has been classified as a Variant of Uncertain Significance.

NM_001903.5(CTNNA1):c.2099C>T (p.Ala700Val)

Gene: CTNNA1 (catenin alpha 1; plus strand). Cytogenetic location: 5q31.2.
Variant type: single nucleotide variant.
Coding change: c.2099C>T on transcript NM_001903.5 (MANE Select); coding-DNA position 2099, C replaced by T.
Protein change: p.Ala700Val; replaces alanine 700 with valine.
Molecular consequence: missense variant.
Genome position (GRCh38, 1-based): chr5:138,930,561, C>T. VCF-style: chr5-138930561-C-T. GRCh37 (hg19) VCF-style: chr5-138266250-C-T.
Other names: c.989C>T, p.Ala330Val (NM_001323996.1, NM_001323997.1, NM_001323998.1 and 17 more transcripts); c.2099C>T, p.Ala700Val (NM_001290307.3, NM_001323982.2, NM_001323983.1 and 2 more transcripts); c.1790C>T, p.Ala597Val (NM_001290309.3); c.1730C>T, p.Ala577Val (NM_001290310.3); c.2006C>T, p.Ala669Val (NM_001323986.2); c.650C>T, p.Ala217Val (NM_001324006.1, NM_001324007.1, NM_001324008.1 and 2 more transcripts); c.896C>T, p.Ala299Val (NM_001324011.1); c.746C>T, p.Ala249Val (NM_001324012.1, NM_001324013.1); short protein forms A249V, A597V, A700V, A299V, A330V, A577V, A217V, A669V.
Identifiers: ClinVar variation 3708988 (VCV003708988.2).
Genomic context (GRCh38, chr5:138,930,561, plus strand): 5'-AAAAAGCGAAGATTGCGGAACAGGTGGCCAGCTTCCAGGAAGAAAAGAGCAAGCTGGATG[C>T]TGAAGTGTCCAAATGGGACGACAGTGGCAATGACATCATTGTGCTGGCCAAGCAGATGTG-3'
Protein context (NP_001894.2, residues 690-710): SFQEEKSKLD[Ala700Val]EVSKWDDSGN